The following is an entry in ClinVar:

NM_001009944.3(PKD1):c.8975A>C (p.His2992Pro)

Gene: PKD1 (polycystin 1, transient receptor potential channel interacting; minus strand). Cytogenetic location: 16p13.3.
Variant type: single nucleotide variant.
Coding change: c.8975A>C on transcript NM_001009944.3 (MANE Select); coding-DNA position 8975, A replaced by C.
Protein change: p.His2992Pro; replaces histidine 2992 with proline.
Molecular consequence: missense variant.
Genome position (GRCh38, 1-based): chr16:2,102,607, T>G on the plus strand (A>C on the coding strand, the complement: PKD1 is on the minus strand). VCF-style: chr16-2102607-T-G. GRCh37 (hg19) VCF-style: chr16-2152608-T-G.
Other names: c.8975A>C, p.His2992Pro (NM_000296.4); short protein forms H2992P.
Identifiers: ClinVar variation 4847587 (VCV004847587.1).

ClinVar aggregate classification (germline): Uncertain significance (1 of 4 stars; one submission).

Submission:

Women's Health and Genetics/Laboratory Corporation of America, LabCorp
Classification: Uncertain significance. Last evaluated: 2026-03-02. Review status: criteria provided, single submitter. Criteria: LabCorp Variant Classification Summary - May 2015. Collection method: clinical testing. Allele origin: germline.
Comment: Variant summary: PKD1 c.8975A>C (p.His2992Pro) results in a non-conservative amino acid change in the encoded protein sequence. Algorithms developed to predict the effect of missense changes on protein structure and function are either unavailable or do not agree on the potential impact of this missense change. The variant was absent in 247244 control chromosomes. The available data on variant occurrences in the general population are insufficient to allow any conclusion about variant significance. To our knowledge, no occurrence of c.8975A>C in individuals affected with PKD1-related conditions and no experimental evidence demonstrating its impact on protein function have been reported. No submitters have cited clinical-significance assessments for this variant to ClinVar. Based on the evidence outlined above, the variant was classified as uncertain significance.